The following is an entry in ClinVar:

NM_032043.3(BRIP1):c.1935+8G>C

Gene: BRIP1 (BRCA1 interacting DNA helicase 1; minus strand). Cytogenetic location: 17q23.2.
Variant type: single nucleotide variant.
Coding change: c.1935+8G>C on transcript NM_032043.3 (MANE Select); 8 bases into the intron after coding-DNA position 1935, G replaced by C.
Molecular consequence: intron variant.
Genome position (GRCh38, 1-based): chr17:61,780,253, C>G on the plus strand (G>C on the coding strand, the complement: BRIP1 is on the minus strand). VCF-style: chr17-61780253-C-G. GRCh37 (hg19) VCF-style: chr17-59857614-C-G.
Identifiers: ClinVar variation 2954054 (VCV002954054.4), dbSNP rs767048212, ClinGen allele CA8690632.

ClinVar aggregate classification (germline): Likely benign. Review status: criteria provided, multiple submitters, no conflicts (2 of 4 stars). 2 submissions from 2 submitters: Likely benign (2). Last evaluated 2024-08-30.

Conditions:
Familial cancer of breast. Also called: BREAST CANCER, FAMILIAL; hereditary breast carcinoma; Hereditary breast cancer. Identifiers: Orphanet 227535, MedGen C0346153, MONDO:0016419, OMIM 114480. Disease mechanism: loss of function.
Fanconi anemia complementation group J. Also called: BRIP1-Related Fanconi Anemia. Identifiers: Orphanet 84, MedGen C1836860, MONDO:0012187, OMIM 609054.

Allele frequency attached by ClinVar (database versions not stated): gnomAD exomes below 0.00001; ExAC 0.00001.
gnomAD v4.1: 1 of 1,601,118 alleles (0.000062%); highest among the groups gnomAD compares: African/African-American, 0.0013%; no homozygotes.

Submissions (2):

Myriad Genetics, Inc.
Classification: Likely benign for Familial cancer of breast. Last evaluated: 2024-08-30. Review status: criteria provided, single submitter. Criteria: Myriad Autosomal Dominant, Autosomal Recessive and X-Linked Classification Criteria (2023). Collection method: clinical testing. Allele origin: unknown.
Comment: This variant is considered likely benign. This variant is intronic and is not expected to impact mRNA splicing.

Labcorp Genetics (formerly Invitae), Labcorp
Classification: Likely benign for Familial cancer of breast; Fanconi anemia complementation group J. Last evaluated: 2024-03-20. Review status: criteria provided, single submitter. Criteria: Invitae Variant Classification Sherloc (09022015). Collection method: clinical testing. Allele origin: germline.